The following is an entry in ClinVar:

NM_153704.6(TMEM67):c.1401A>G (p.Gln467=)

Gene: TMEM67 (transmembrane protein 67; plus strand). Cytogenetic location: 8q22.1.
Variant type: single nucleotide variant.
Coding change: c.1401A>G on transcript NM_153704.6 (MANE Select); coding-DNA position 1401, A replaced by G.
Protein change: p.Gln467=; no amino-acid change (glutamine 467 retained).
Molecular consequence: synonymous variant. On other transcripts: non-coding transcript variant (1).
Genome position (GRCh38, 1-based): chr8:93,786,335, A>G. VCF-style: chr8-93786335-A-G. GRCh37 (hg19) VCF-style: chr8-94798563-A-G.
Other names: c.1158A>G, p.Gln386= (NM_001142301.1); c.1401A>G (NM_153704.5).
Identifiers: ClinVar variation 1636115 (VCV001636115.10), dbSNP rs747752903, ClinGen allele CA4807944.

ClinVar aggregate classification (germline): Likely benign. Review status: criteria provided, multiple submitters, no conflicts (2 of 4 stars). 3 submissions from 3 submitters: Likely benign (3). Last evaluated 2025-02-19.

Conditions:
TMEM67-related disorder. Also called: TMEM67-related disorders; TMEM67-related condition. Identifiers: MedGen CN239423.
COACH syndrome 1. Identifiers: Orphanet 1454, MedGen C5435651, MONDO:0800103, OMIM 216360, MONDO:0008996.
Joubert syndrome 6 (JBTS6). Identifiers: Orphanet 475, MedGen C1853153, MONDO:0012539, OMIM 610688.
RHYNS syndrome. Also called: RETINITIS PIGMENTOSA SYNDROME; RETINITIS PIGMENTOSA, HYPOPITUITARISM, NEPHRONOPHTHISIS, AND MILD SKELETAL DYSPLASIA. Identifiers: Orphanet 140976, MedGen C1865794, MONDO:0011202, OMIM 602152.
Meckel syndrome, type 3 (MKS3). Also called: MECKEL-GRUBER SYNDROME, TYPE 3. Identifiers: Orphanet 564, MedGen C1846357, MONDO:0011821, OMIM 607361.
Bardet-Biedl syndrome 14 (BBS14). Identifiers: Orphanet 110, MedGen C2673874, MONDO:0014442, OMIM 615991.
Nephronophthisis 11 (NPHP11). Identifiers: Orphanet 84081, MedGen C3150796, MONDO:0013302, OMIM 613550.
Joubert syndrome. Also called: JOUBERT-BOLTSHAUSER SYNDROME; Familial aplasia of the vermis. Identifiers: Orphanet 475, MedGen C5979921, MONDO:0018772.
Meckel-Gruber syndrome. Also called: GRUBER SYNDROME; DYSENCEPHALIA SPLANCHNOCYSTICA; Dysencephalia splachnocystica. Identifiers: Orphanet 564, MedGen C0265215, MONDO:0018921.

Allele frequency attached by ClinVar (database versions not stated): TOPMed below 0.00001; gnomAD 0.00001; gnomAD exomes 0.00002; ExAC 0.00004.
gnomAD v4.1: 28 of 1,613,854 alleles (0.0017%); highest among the groups gnomAD compares: Middle Eastern, 0.033%; no homozygotes.

Submissions (3):

PreventionGenetics, part of Exact Sciences
Classification: Likely benign for TMEM67-related condition. Last evaluated: 2025-02-19. Review status: criteria provided, single submitter. Criteria: ACMG Guidelines, 2015. Collection method: clinical testing. Allele origin: germline.
Comment: This variant is classified as likely benign based on ACMG/AMP sequence variant interpretation guidelines (Richards et al. 2015 PMID: 25741868, with internal and published modifications).

Labcorp Genetics (formerly Invitae), Labcorp
Classification: Likely benign for Joubert syndrome; Meckel-Gruber syndrome. Last evaluated: 2023-11-28. Review status: criteria provided, single submitter. Criteria: Invitae Variant Classification Sherloc (09022015). Collection method: clinical testing. Allele origin: germline.

Fulgent Genetics
Classification: Likely benign for COACH syndrome 1; RHYNS syndrome; Meckel syndrome, type 3; Joubert syndrome 6; Nephronophthisis 11; Bardet-Biedl syndrome 14. Last evaluated: 2021-12-30. Review status: criteria provided, single submitter. Criteria: ACMG Guidelines, 2015. Collection method: clinical testing. Allele origin: unknown.